The following is an entry in ClinVar:

ClinVar aggregate classification (germline): Likely pathogenic (1 of 4 stars; one submission).

Conditions:
Neuronopathy, distal hereditary motor, autosomal recessive 7. Also called: NEUROPATHY, HEREDITARY MOTOR, WITH MYOPATHIC FEATURES; NEUROPATHY, DISTAL HEREDITARY MOTOR, AUTOSOMAL RECESSIVE 7. Identifiers: MedGen C5543119, MONDO:0030977, OMIM 619216.

Submission:

Broad Center for Mendelian Genomics, Broad Institute of MIT and Harvard
Classification: Likely pathogenic for Neuronopathy, distal hereditary motor, autosomal recessive 7. Last evaluated: 2024-11-25. Review status: criteria provided, single submitter. Criteria: ACMG Guidelines, 2015. Collection method: curation. Allele origin: germline. Inheritance: Autosomal recessive inheritance. Study: GREGoR Consortium.
Comment: This variant has been identified in 0.002% (1/58192) of European (Finnish) chromosomes by the Genome Aggregation Database (gnomAD). This variant is predicted to cause a frameshift, which alters the protein’s amino acid sequence beginning at position 255 and leads to a premature termination codon 19 amino acids downstream. This termination codon occurs within the last exon and is more likely to escape nonsense mediated decay (NMD) and result in a truncated protein. Loss of function of the VWA1 gene is an established disease mechanism in autosomal recessive distal hereditary motor neuronopathy. In summary, although additional studies are required to fully establish its clinical significance, this variant is likely pathogenic. ACMG/AMP Criteria applied: PVS1_strong, PM2_supporting, PM3_supporting (Richards 2015).

NM_022834.5(VWA1):c.763del (p.Ala255fs)

Gene: VWA1 (von Willebrand factor A domain containing 1; plus strand). Cytogenetic location: 1p36.33.
Variant type: Deletion.
Coding change: c.763del on transcript NM_022834.5 (MANE Select); coding-DNA position 763, one base deleted (G; older notation c.763delG).
Protein change: p.Ala255fs; shifts the reading frame from alanine 255.
Molecular consequence: frameshift variant. On other transcripts: 3 prime UTR variant (1).
Genome position (GRCh38, 1-based): chr1:1,439,212, G deleted; the last of 5 consecutive G bases (chr1:1,439,208-1,439,212); deleting any one gives the same sequence. VCF-style (leftmost placement, unchanged base first): chr1-1439207-CG-C. GRCh37 (hg19) VCF-style: chr1-1374587-CG-C.
Other names: NM_199121.3:c.*173del; c.*173del (NM_199121.3); short protein forms A255fs.
Identifiers: ClinVar variation 3383311 (VCV003383311.1).
Genomic context (GRCh38, chr1:1,439,207, plus strand): 5'-CACCCCTGCTGACCGCAGACTCGGGCTACTATGTGCTGGAGCTGGTGCCCAGCGCCCAGC[CG>C]GGGGCTGCAAGACGCCAGCAGCTGCCAGGGAACGCCACGGACTGGATCTGGGCCGGCCTC-3'